The following is an entry in ClinVar:

ClinVar aggregate classification (germline): Uncertain significance (1 of 4 stars; one submission).

Submission:

Greenwood Genetic Center Diagnostic Laboratories, Greenwood Genetic Center
Classification: Uncertain significance. Last evaluated: 2022-06-16. Review status: criteria provided, single submitter. Criteria: ACMG Guidelines, 2015. Collection method: clinical testing. Allele origin: germline. Affected: yes.
Comment: PM2 PP2

NM_002249.6(KCNN3):c.439A>G (p.Ser147Gly)

Gene: KCNN3 (potassium calcium-activated channel subfamily N member 3; minus strand). Cytogenetic location: 1q21.3.
Variant type: single nucleotide variant.
Coding change: c.439A>G on transcript NM_002249.6 (MANE Select); coding-DNA position 439, A replaced by G.
Protein change: p.Ser147Gly; replaces serine 147 with glycine.
Molecular consequence: missense variant.
Genome position (GRCh38, 1-based): chr1:154,869,526, T>C on the plus strand (A>G on the coding strand, the complement: KCNN3 is on the minus strand). VCF-style: chr1-154869526-T-C. GRCh37 (hg19) VCF-style: chr1-154842002-T-C.
Other names: c.439A>G, p.Ser147Gly (NM_001204087.2); short protein forms S147G.
Identifiers: ClinVar variation 1703120 (VCV001703120.3), dbSNP rs2525028762, ClinGen allele CA342633448.